The following is an entry in ClinVar:

ClinVar aggregate classification (germline): Uncertain significance. Review status: criteria provided, multiple submitters, no conflicts (2 of 4 stars). 2 submissions from 2 submitters: Uncertain significance (2). Last evaluated 2026-03-30.

Conditions:
Cystic fibrosis (CF). Also called: MUCOVISCIDOSIS. Identifiers: Orphanet 586, MedGen C0010674, MONDO:0009061, OMIM 219700. Disease mechanism: loss of function.

Submissions (2):

Women's Health and Genetics/Laboratory Corporation of America, LabCorp
Classification: Uncertain significance. Last evaluated: 2026-03-30. Review status: criteria provided, single submitter. Criteria: LabCorp Variant Classification Summary - May 2015. Collection method: clinical testing. Allele origin: germline.
Comment: Variant summary: CFTR c.773G>A (p.Arg258Lys) results in a conservative amino acid change in the encoded protein sequence. Algorithms developed to predict the effect of missense changes on protein structure and function are either unavailable or do not agree on the potential impact of this missense change. The variant was absent in 236190 control chromosomes (gnomAD). The available data on variant occurrences in the general population are insufficient to allow any conclusion about variant significance. To our knowledge, no occurrence of c.773G>A in individuals affected with CFTR-related conditions and no experimental evidence demonstrating its impact on protein function have been reported. A different variant affecting the same codon has been classified as pathogenic by our lab (c.772A>G, p.Arg258Gly), supporting the critical relevance of codon 258 to CFTR protein function. ClinVar contains an entry for this variant (Variation ID: 1397581). Based on the evidence outlined above, the variant was classified as uncertain significance.

Labcorp Genetics (formerly Invitae), Labcorp
Classification: Uncertain significance for Cystic fibrosis. Last evaluated: 2022-01-27. Review status: criteria provided, single submitter. Criteria: Invitae Variant Classification Sherloc (09022015). Collection method: clinical testing. Allele origin: germline.
Comment: In summary, the available evidence is currently insufficient to determine the role of this variant in disease. Therefore, it has been classified as a Variant of Uncertain Significance. This variant disrupts the p.Arg258 amino acid residue in CFTR. Other variant(s) that disrupt this residue have been determined to be pathogenic (PMID: 7529962, 9305991, 10376575, 11466205, 16196493, 19810821, 23104983). This suggests that this residue is clinically significant, and that variants that disrupt this residue are likely to be disease-causing. Algorithms developed to predict the effect of missense changes on protein structure and function (SIFT, PolyPhen-2, Align-GVGD) all suggest that this variant is likely to be disruptive. This variant has not been reported in the literature in individuals affected with CFTR-related conditions. This variant is not present in population databases (gnomAD no frequency). This sequence change replaces arginine, which is basic and polar, with lysine, which is basic and polar, at codon 258 of the CFTR protein (p.Arg258Lys).

Literature cited by the submitters: PubMed 7529962 (cited by Labcorp Genetics (formerly Invitae), Labcorp); PubMed 9305991 (cited by Labcorp Genetics (formerly Invitae), Labcorp); PubMed 10376575 (cited by Labcorp Genetics (formerly Invitae), Labcorp); PubMed 11466205 (cited by Labcorp Genetics (formerly Invitae), Labcorp); PubMed 16196493 (cited by Labcorp Genetics (formerly Invitae), Labcorp); PubMed 19810821 (cited by Labcorp Genetics (formerly Invitae), Labcorp); PubMed 23104983 (cited by Labcorp Genetics (formerly Invitae), Labcorp).

NM_000492.4(CFTR):c.773G>A (p.Arg258Lys)

Gene: CFTR (CF transmembrane conductance regulator; plus strand). Cytogenetic location: 7q31.2.
Variant type: single nucleotide variant.
Coding change: c.773G>A on transcript NM_000492.4 (MANE Select); coding-DNA position 773, G replaced by A.
Protein change: p.Arg258Lys; replaces arginine 258 with lysine.
Molecular consequence: missense variant.
Genome position (GRCh38, 1-based): chr7:117,536,577, G>A. VCF-style: chr7-117536577-G-A. GRCh37 (hg19) VCF-style: chr7-117176631-G-A.
Other names: short protein forms R258K.
Identifiers: ClinVar variation 1397581 (VCV001397581.9), dbSNP rs377514639, ClinGen allele CA368977377.